The following is an entry in ClinVar:

ClinVar aggregate classification (germline): Pathogenic (1 of 4 stars; one submission).

Submission:

Labcorp Genetics (formerly Invitae), Labcorp
Classification: Pathogenic. Last evaluated: 2023-05-10. Review status: criteria provided, single submitter. Criteria: Invitae Variant Classification Sherloc (09022015). Collection method: clinical testing. Allele origin: germline.
Comment: For these reasons, this variant has been classified as Pathogenic. This variant has not been reported in the literature in individuals affected with HPS4-related conditions. This variant is not present in population databases (gnomAD no frequency). This sequence change creates a premature translational stop signal (p.Tyr17Ilefs*10) in the HPS4 gene. It is expected to result in an absent or disrupted protein product. Loss-of-function variants in HPS4 are known to be pathogenic (PMID: 12664304).

Literature cited by the submitters: PubMed 12664304.

NM_022081.6(HPS4):c.49del (p.Tyr17fs)

Gene: HPS4 (HPS4 biogenesis of lysosomal organelles complex 3 subunit 2; minus strand). Cytogenetic location: 22q12.1.
Variant type: Deletion.
Coding change: c.49del on transcript NM_022081.6 (MANE Select); coding-DNA position 49, one base deleted (T; older notation c.49delT).
Protein change: p.Tyr17fs; shifts the reading frame from tyrosine 17.
Molecular consequence: frameshift variant. On other transcripts: non-coding transcript variant (8).
Genome position (GRCh38, 1-based): chr22:26,479,348, A deleted on the plus strand (T on the coding strand, the reverse complement: HPS4 is on the minus strand); the first of 2 consecutive A bases (chr22:26,479,348-26,479,349); deleting either gives the same sequence. VCF-style (leftmost placement, unchanged base first): chr22-26479347-TA-T. GRCh37 (hg19) VCF-style: chr22-26875313-TA-T.
Other names: c.49del, p.Tyr17fs (NM_001349896.1, NM_001349898.2, NM_001349899.2 and 7 more transcripts); c.34del, p.Tyr12fs (NM_152841.2); short protein forms Y17fs, Y12fs.
Identifiers: ClinVar variation 2861392 (VCV002861392.3), dbSNP rs2518649635, ClinGen allele CA2739267849.